The following is an entry in ClinVar:

ClinVar aggregate classification (germline): Benign. Review status: criteria provided, single submitter (1 of 4 stars). 2 submissions from 2 submitters: Benign (1). 1 of the submissions does not count toward it. Last evaluated 2022-06-22.

Conditions:
PIGU-related disorder. Also called: PIGU-related condition.

Submissions (2):

Mayo Clinic Laboratories, Mayo Clinic
Classification: Benign. Last evaluated: 2022-06-22. Review status: criteria provided, single submitter. Criteria: ACMG Guidelines, 2015. Collection method: clinical testing. Allele origin: germline. Observed: 34 variant alleles.
Comment: BA1, BP4, BP7

PreventionGenetics, part of Exact Sciences
Classification: Likely benign for PIGU-related condition. Last evaluated: 2024-08-29. Review status: no assertion criteria provided. Collection method: clinical testing. Allele origin: germline. Not counted in ClinVar's aggregate classification.
Comment: This variant is classified as likely benign based on ACMG/AMP sequence variant interpretation guidelines (Richards et al. 2015 PMID: 25741868, with internal and published modifications).

NM_080476.5(PIGU):c.319-5del

Gene: PIGU (phosphatidylinositol glycan anchor biosynthesis class U; minus strand). Cytogenetic location: 20q11.22.
Variant type: Deletion.
Coding change: c.319-5del on transcript NM_080476.5 (MANE Select); 5 bases into the intron before coding-DNA position 319, one base deleted (T; older notation c.319-5delT).
Molecular consequence: intron variant.
Genome position (GRCh38, 1-based): chr20:34,637,990, A deleted on the plus strand (T on the coding strand, the reverse complement: PIGU is on the minus strand); the first of 14 consecutive A bases (chr20:34,637,990-34,638,003); deleting any one gives the same sequence. VCF-style (leftmost placement, unchanged base first): chr20-34637989-GA-G. GRCh37 (hg19) VCF-style: chr20-33225793-GA-G.
Other names: p.?; c.319-5del (NM_080476.4); c.319-5delT (NM_080476.4).
Identifiers: ClinVar variation 3059512 (VCV003059512.3), dbSNP rs562683306, ClinGen allele CA9822701.